The following is an entry in ClinVar:

ClinVar aggregate classification (germline): Benign. Review status: criteria provided, multiple submitters, no conflicts (2 of 4 stars). 6 submissions from 6 submitters: Benign (4). 2 of the submissions do not count toward it. Last evaluated 2026-02-03.

Conditions:
Norman-Roberts syndrome (LIS2). Also called: Lissencephaly 2 (Norman-Roberts type). Identifiers: Orphanet 89844, MedGen C0796089, MONDO:0009760, OMIM 257320.
Familial temporal lobe epilepsy 7. Identifiers: Orphanet 101046, MedGen C4225327, MONDO:0014639, OMIM 616436.

Allele frequency attached by ClinVar (database versions not stated): gnomAD exomes 0.00219 and 0.00570; ExAC 0.00702; gnomAD 0.02193 and 0.02349; 1000 Genomes Project 0.02316; TOPMed 0.02416; ESP Exome Variant Server 0.02606; 1000 Genomes Project 30x 0.02623.
gnomAD v4.1: 6,676 of 1,612,778 alleles (0.41%); highest among the groups gnomAD compares: African/African-American, 7.6%; 236 homozygotes.

Submissions (6):

Labcorp Genetics (formerly Invitae), Labcorp
Classification: Benign for Familial temporal lobe epilepsy 7; Norman-Roberts syndrome. Last evaluated: 2026-02-03. Review status: criteria provided, single submitter. Criteria: Invitae Variant Classification Sherloc (09022015). Collection method: clinical testing. Allele origin: germline.

Illumina Laboratory Services, Illumina
Classification: Benign for Norman-Roberts syndrome. Last evaluated: 2018-01-13. Review status: criteria provided, single submitter. Criteria: ICSL Variant Classification Criteria 13 December 2019. Collection method: clinical testing. Allele origin: germline.
Comment: This variant was observed in the ICSL laboratory as part of a predisposition screen in an ostensibly healthy population. It had not been previously curated by ICSL or reported in the Human Gene Mutation Database (HGMD: prior to June 1st, 2018), and was therefore a candidate for classification through an automated scoring system. Utilizing variant allele frequency, disease prevalence and penetrance estimates, and inheritance mode, an automated score was calculated to assess if this variant is too frequent to cause the disease. Based on the score and internal cut-off values, a variant classified as benign is not then subjected to further curation. The score for this variant resulted in a classification of benign for this disease.

GeneDx
Classification: Benign. Last evaluated: 2015-03-03. Review status: criteria provided, single submitter. Criteria: GeneDx Variant Classification Process June 2021. Collection method: clinical testing. Allele origin: germline. Affected: yes.

Breakthrough Genomics
Classification: Benign. Review status: criteria provided, single submitter. Criteria: ACMG Guidelines, 2015. Collection method: not provided. Allele origin: germline. Inheritance: Autosomal recessive inheritance. Affected: yes.

Clinical Genetics DNA and cytogenetics Diagnostics Lab, Erasmus MC, Erasmus Medical Center
Classification: Benign. Review status: no assertion criteria provided. Collection method: clinical testing. Allele origin: germline. Affected: yes. Study: VKGL Data-share Consensus. Not counted in ClinVar's aggregate classification.

Clinical Genetics, Academic Medical Center
Classification: Benign. Review status: no assertion criteria provided. Collection method: clinical testing. Allele origin: germline. Affected: yes. Study: VKGL Data-share Consensus. Not counted in ClinVar's aggregate classification.

NM_005045.4(RELN):c.6672-15G>A

Gene: RELN (reelin; minus strand). Cytogenetic location: 7q22.1.
Variant type: single nucleotide variant.
Coding change: c.6672-15G>A on transcript NM_005045.4 (MANE Select); 15 bases into the intron before coding-DNA position 6672, G replaced by A.
Molecular consequence: intron variant.
Genome position (GRCh38, 1-based): chr7:103,540,470, C>T on the plus strand (G>A on the coding strand, the complement: RELN is on the minus strand). VCF-style: chr7-103540470-C-T. GRCh37 (hg19) VCF-style: chr7-103180917-C-T.
Other names: c.6672-15G>A (NM_173054.3).
Identifiers: ClinVar variation 358389 (VCV000358389.17), dbSNP rs73418565, ClinGen allele CA4420902.
Genomic context (GRCh38, chr7:103,540,470, plus strand): 5'-AGGAACGCCTTTACCACATCCCAGTCTCATGAAGAACTGCACAAATCTGACATTTGTAAA[C>T]GTTACTGAAGACTTTCACTTCCAAAAGAAATCCACATGCTTAACAACAGACAAGCACATG-3'